The following is an entry in ClinVar:

ClinVar aggregate classification (germline): Likely benign (1 of 4 stars; one submission).

gnomAD v4.1: 48 of 1,612,914 alleles (0.003%); highest among the groups gnomAD compares: Admixed American, 0.08%; no homozygotes.

Submission:

CeGaT Center for Human Genetics Tuebingen
Classification: Likely benign. Last evaluated: 2026-05-01. Review status: criteria provided, single submitter. Criteria: CeGaT Center For Human Genetics Tuebingen Variant Classification Criteria Version 2. Collection method: clinical testing. Allele origin: germline. Affected: yes. Observed: 1 variant allele.
Comment: SVIL: BP4, BP7

NM_021738.3(SVIL):c.6246T>C (p.Ser2082=)

Genes: SVIL (supervillin; minus strand), SVIL-AS1 (SVIL antisense RNA 1; plus strand). Cytogenetic location: 10p11.23.
Variant type: single nucleotide variant.
Coding change: c.6246T>C on transcript NM_021738.3 (MANE Select); coding-DNA position 6246, T replaced by C.
Protein change: p.Ser2082=; no amino-acid change (serine 2082 retained).
Molecular consequence: synonymous variant.
Genome position (GRCh38, 1-based): chr10:29,463,523, A>G on the plus strand (T>C on the coding strand, the complement: SVIL is on the minus strand). VCF-style: chr10-29463523-A-G. GRCh37 (hg19) VCF-style: chr10-29752452-A-G.
Other names: c.5316T>C, p.Ser1772= (NM_001323599.2); c.5064T>C, p.Ser1688= (NM_001323600.1); c.4968T>C, p.Ser1656= (NM_003174.3).
Identifiers: ClinVar variation 4875088 (VCV004875088.2).